The following is an entry in ClinVar:

NM_032447.5(FBN3):c.7699G>A (p.Val2567Met)

Gene: FBN3 (fibrillin 3; minus strand). Cytogenetic location: 19p13.2.
Variant type: single nucleotide variant.
Coding change: c.7699G>A on transcript NM_032447.5 (MANE Select); coding-DNA position 7699, G replaced by A.
Protein change: p.Val2567Met; replaces valine 2567 with methionine.
Molecular consequence: missense variant.
Genome position (GRCh38, 1-based): chr19:8,075,074, C>T on the plus strand (G>A on the coding strand, the complement: FBN3 is on the minus strand). VCF-style: chr19-8075074-C-T. GRCh37 (hg19) VCF-style: chr19-8139958-C-T.
Other names: c.7699G>A, p.Val2567Met (NM_001321431.2); short protein forms V2567M.
Identifiers: ClinVar variation 4693448 (VCV004693448.1).

ClinVar aggregate classification (germline): Uncertain significance (1 of 4 stars; one submission).

gnomAD v4.1: 15 of 1,604,606 alleles (0.00093%); highest among the groups gnomAD compares: African/African-American, 0.02%; no homozygotes.

Submission:

Labcorp Genetics (formerly Invitae), Labcorp
Classification: Uncertain significance. Last evaluated: 2025-06-12. Review status: criteria provided, single submitter. Criteria: Invitae Variant Classification Sherloc (09022015). Collection method: clinical testing. Allele origin: germline.
Comment: This sequence change replaces valine, which is neutral and non-polar, with methionine, which is neutral and non-polar, at codon 2567 of the FBN3 protein (p.Val2567Met). This variant is present in population databases (rs199739474, gnomAD 0.03%). This variant has not been reported in the literature in individuals affected with FBN3-related conditions. Invitae Evidence Modeling of protein sequence and biophysical properties (such as structural, functional, and spatial information, amino acid conservation, physicochemical variation, residue mobility, and thermodynamic stability) indicates that this missense variant is not expected to disrupt FBN3 protein function with a negative predictive value of 80%. In summary, the available evidence is currently insufficient to determine the role of this variant in disease. Therefore, it has been classified as a Variant of Uncertain Significance.